The following is an entry in ClinVar:

ClinVar aggregate classification (germline): Conflicting classifications of pathogenicity. Review status: criteria provided, conflicting classifications (1 of 4 stars). 2 submissions from 2 submitters: Uncertain significance (1); Benign (1). Last evaluated 2025-05-13.

Allele frequency attached by ClinVar (database versions not stated): TOPMed below 0.00001; gnomAD exomes 0.00001 and 0.00002; ExAC 0.00002.
gnomAD v4.1: 22 of 1,614,008 alleles (0.0014%); highest among the groups gnomAD compares: South Asian, 0.015%; no homozygotes.

Submissions (2):

Labcorp Genetics (formerly Invitae), Labcorp
Classification: Benign. Last evaluated: 2025-05-13. Review status: criteria provided, single submitter. Criteria: Invitae Variant Classification Sherloc (09022015). Collection method: clinical testing. Allele origin: germline.

GeneDx
Classification: Uncertain significance. Last evaluated: 2022-09-22. Review status: criteria provided, single submitter. Criteria: GeneDx Variant Classification Process June 2021. Collection method: clinical testing. Allele origin: germline. Affected: yes.
Comment: In silico analysis supports that this missense variant does not alter protein structure/function; Has not been previously published as pathogenic or benign to our knowledge

NM_015559.3(SETBP1):c.3860C>T (p.Ser1287Leu)

Gene: SETBP1 (SET binding protein 1; plus strand). Cytogenetic location: 18q12.3.
Variant type: single nucleotide variant.
Coding change: c.3860C>T on transcript NM_015559.3 (MANE Select); coding-DNA position 3860, C replaced by T.
Protein change: p.Ser1287Leu; replaces serine 1287 with leucine.
Molecular consequence: missense variant.
Genome position (GRCh38, 1-based): chr18:44,953,200, C>T. VCF-style: chr18-44953200-C-T. GRCh37 (hg19) VCF-style: chr18-42533165-C-T.
Other names: c.3860C>T, p.Ser1287Leu (NM_001379141.1, NM_001379142.1); c.3860C>T (NM_015559.2); short protein forms S1287L.
Identifiers: ClinVar variation 1584014 (VCV001584014.9), dbSNP rs771332971, ClinGen allele CA8946005.